The following is an entry in ClinVar:

NM_005477.3(HCN4):c.596A>G (p.Gln199Arg)

Gene: HCN4 (hyperpolarization activated cyclic nucleotide gated potassium channel 4; minus strand). Cytogenetic location: 15q24.1.
Variant type: single nucleotide variant.
Coding change: c.596A>G on transcript NM_005477.3 (MANE Select); coding-DNA position 596, A replaced by G.
Protein change: p.Gln199Arg; replaces glutamine 199 with arginine.
Molecular consequence: missense variant.
Genome position (GRCh38, 1-based): chr15:73,367,675, T>C on the plus strand (A>G on the coding strand, the complement: HCN4 is on the minus strand). VCF-style: chr15-73367675-T-C. GRCh37 (hg19) VCF-style: chr15-73660016-T-C.
Other names: short protein forms Q199R.
Identifiers: ClinVar variation 3681804 (VCV003681804.2).

ClinVar aggregate classification (germline): Uncertain significance (1 of 4 stars; one submission).

Conditions:
Brugada syndrome 8 (BRGDA8). Identifiers: Orphanet 130, MedGen C2751083, MONDO:0013148, OMIM 613123.

Submission:

Labcorp Genetics (formerly Invitae), Labcorp
Classification: Uncertain significance for Brugada syndrome 8. Last evaluated: 2024-08-12. Review status: criteria provided, single submitter. Criteria: Invitae Variant Classification Sherloc (09022015). Collection method: clinical testing. Allele origin: germline.
Comment: This sequence change replaces glutamine, which is neutral and polar, with arginine, which is basic and polar, at codon 199 of the HCN4 protein (p.Gln199Arg). This variant is not present in population databases (gnomAD no frequency). This variant has not been reported in the literature in individuals affected with HCN4-related conditions. Advanced modeling of protein sequence and biophysical properties (such as structural, functional, and spatial information, amino acid conservation, physicochemical variation, residue mobility, and thermodynamic stability) performed at Invitae indicates that this missense variant is not expected to disrupt HCN4 protein function with a negative predictive value of 95%. In summary, the available evidence is currently insufficient to determine the role of this variant in disease. Therefore, it has been classified as a Variant of Uncertain Significance.